The following is an entry in ClinVar:

ClinVar aggregate classification (germline): Benign (0 of 4 stars; one submission).

Conditions:
FAAH-related disorder. Also called: FAAH-related condition.

Allele frequency attached by ClinVar (database versions not stated): 1000 Genomes Project 0.06070; ExAC 0.13114; 1000 Genomes Project 30x 0.06293; TOPMed 0.06823; gnomAD 0.07146; ESP Exome Variant Server 0.07472; gnomAD exomes 0.10016.
gnomAD v4.1: 151,210 of 1,554,426 alleles (9.7%); highest among the groups gnomAD compares: Middle Eastern, 17%; 8,173 homozygotes.

Submission:

PreventionGenetics, part of Exact Sciences
Classification: Benign for FAAH-related condition. Last evaluated: 2019-11-19. Review status: no assertion criteria provided. Collection method: clinical testing. Allele origin: germline.
Comment: This variant is classified as benign based on ACMG/AMP sequence variant interpretation guidelines (Richards et al. 2015 PMID: 25741868, with internal and published modifications).

NM_001441.3(FAAH):c.1357-5C>T

Gene: FAAH (fatty acid amide hydrolase; plus strand). Cytogenetic location: 1p33.
Variant type: single nucleotide variant.
Coding change: c.1357-5C>T on transcript NM_001441.3 (MANE Select); 5 bases into the intron before coding-DNA position 1357, C replaced by T.
Molecular consequence: intron variant.
Genome position (GRCh38, 1-based): chr1:46,412,138, C>T. VCF-style: chr1-46412138-C-T. GRCh37 (hg19) VCF-style: chr1-46877810-C-T.
Identifiers: ClinVar variation 3057188 (VCV003057188.2), dbSNP rs78529632, ClinGen allele CA836445.